The following is an entry in ClinVar:

NM_021224.6(ZNF462):c.4147G>C (p.Asp1383His)

Gene: ZNF462 (zinc finger protein 462; plus strand). Cytogenetic location: 9q31.2.
Variant type: single nucleotide variant.
Coding change: c.4147G>C on transcript NM_021224.6 (MANE Select); coding-DNA position 4147, G replaced by C.
Protein change: p.Asp1383His; replaces aspartic acid 1383 with histidine.
Molecular consequence: missense variant. On other transcripts: intron variant (1).
Genome position (GRCh38, 1-based): chr9:106,928,059, G>C. VCF-style: chr9-106928059-G-C. GRCh37 (hg19) VCF-style: chr9-109690340-G-C.
Other names: c.3252+895G>C (NM_001347997.2); short protein forms D1383H.
Identifiers: ClinVar variation 2431591 (VCV002431591.2), dbSNP rs1830273604, ClinGen allele CA374407472.

ClinVar aggregate classification (germline): Uncertain significance (1 of 4 stars; one submission).

Conditions:
Weiss-Kruszka syndrome. Also called: Metopic ridging-ptosis-facial dysmorphism syndrome. Identifiers: Orphanet 502430, MedGen C5568107, MONDO:0032836, OMIM 618619.

gnomAD v4.1: 1 of 1,614,142 alleles (0.000062%); highest among the groups gnomAD compares: South Asian, 0.0011%; no homozygotes.

Submission:

Laboratorio de Genetica e Diagnostico Molecular, Hospital Israelita Albert Einstein
Classification: Uncertain significance for Weiss-Kruszka syndrome. Last evaluated: 2022-11-29. Review status: criteria provided, single submitter. Criteria: ACMG Guidelines, 2015. Collection method: clinical testing. Allele origin: germline. Affected: yes.
Comment: ACMG classification criteria: PM2 moderated, BP4 supporting